The following is an entry in ClinVar:

NM_000545.8(HNF1A):c.373C>T (p.Gln125Ter)

Gene: HNF1A (HNF1 homeobox A; plus strand). Cytogenetic location: 12q24.31.
Variant type: single nucleotide variant.
Coding change: c.373C>T on transcript NM_000545.8 (MANE Select); coding-DNA position 373, C replaced by T.
Protein change: p.Gln125Ter; replaces glutamine 125 with a stop codon.
Molecular consequence: nonsense.
Genome position (GRCh38, 1-based): chr12:120,988,879, C>T. VCF-style: chr12-120988879-C-T. GRCh37 (hg19) VCF-style: chr12-121426682-C-T.
Other names: c.373C>T, p.Gln125Ter (NM_001306179.2, NM_001406915.1); short protein forms Q125*.
Identifiers: ClinVar variation 2587710 (VCV002587710.2), dbSNP rs2135832551, ClinGen allele CA386959206.
Genomic context (GRCh38, chr12:120,988,879, plus strand): 5'-TTGCCCTCTCCCAGGGAGGACCCGTGGCGTGTGGCGAAGATGGTCAAGTCCTACCTGCAG[C>T]AGCACAACATCCCACAGCGGGAGGTGGTCGATACCACTGGCCTCAACCAGTCCCACCTGT-3'

ClinVar aggregate classification (germline): Pathogenic (1 of 4 stars; one submission).

Conditions:
Maturity-onset diabetes of the young (MODY). Also called: Maturity onset diabetes mellitus in young. Identifiers: Orphanet 552, MedGen C0342276, MONDO:0018911, HP:0004904.

Allele frequency attached by ClinVar (database versions not stated): gnomAD exomes below 0.00001.
gnomAD v4.1: 1 of 1,614,264 alleles (0.000062%); highest among the groups gnomAD compares: Non-Finnish European, 0.000085%; no homozygotes.

Submission:

Ambry Genetics
Classification: Pathogenic for Maturity-onset diabetes of the young. Last evaluated: 2023-08-26. Review status: criteria provided, single submitter. Criteria: Ambry Variant Classification Scheme 2023. Collection method: clinical testing. Allele origin: germline.
Comment: The p.Q125* variant (also known as c.373C>T), located in coding exon 2 of the HNF1A gene, results from a C to T substitution at nucleotide position 373. This changes the amino acid from a glutamine to a stop codon within coding exon 2. This variant is considered to be rare based on population cohorts in the Genome Aggregation Database (gnomAD). In addition to the clinical data presented in the literature, this alteration is expected to result in loss of function by premature protein truncation or nonsense-mediated mRNA decay. As such, this alteration is interpreted as a disease-causing mutation.

Literature cited by the submitters: PubMed 36361808.